The following is an entry in ClinVar:

NM_025114.4(CEP290):c.2512A>G (p.Lys838Glu)

Gene: CEP290 (centrosomal protein 290; minus strand). Cytogenetic location: 12q21.32.
Variant type: single nucleotide variant.
Coding change: c.2512A>G on transcript NM_025114.4 (MANE Select); coding-DNA position 2512, A replaced by G.
Protein change: p.Lys838Glu; replaces lysine 838 with glutamic acid.
Molecular consequence: missense variant.
Genome position (GRCh38, 1-based): chr12:88,107,070, T>C on the plus strand (A>G on the coding strand, the complement: CEP290 is on the minus strand). VCF-style: chr12-88107070-T-C. GRCh37 (hg19) VCF-style: chr12-88500847-T-C.
Other names: p.K838E:AAA>GAA; short protein forms K838E.
Identifiers: ClinVar variation 100593 (VCV000100593.31), dbSNP rs11104738, ClinGen allele CA150898.

ClinVar aggregate classification (germline): Benign/Likely benign. Review status: criteria provided, multiple submitters, no conflicts (2 of 4 stars). 19 submissions from 15 submitters: Benign (13); Likely benign (1). 5 of the submissions do not count toward it. Last evaluated 2026-06-26.

Conditions:
Joubert syndrome. Also called: JOUBERT-BOLTSHAUSER SYNDROME; Familial aplasia of the vermis. Identifiers: Orphanet 475, MedGen C5979921, MONDO:0018772.
Nephronophthisis. Also called: Juvenile Nephronophthisis. Identifiers: Orphanet 655, MedGen C0687120, MONDO:0019005, HP:0000090.
Meckel-Gruber syndrome. Also called: Dysencephalia splachnocystica; DYSENCEPHALIA SPLANCHNOCYSTICA; GRUBER SYNDROME. Identifiers: Orphanet 564, MedGen C0265215, MONDO:0018921.
Retinal dystrophy. Also called: Inherited retinal dystrophy. Identifiers: Orphanet 71862, MedGen C0854723, MeSH D058499, MONDO:0019118, HP:0000556.
Leber congenital amaurosis (LCA). Also called: Leber's amaurosis. Identifiers: Orphanet 65, MedGen C0339527, MeSH D057130, MONDO:0018998.
Joubert syndrome 1 (JBTS1). Also called: Cerebellooculorenal syndrome 1; CEREBELLOPARENCHYMAL DISORDER IV. Identifiers: MedGen C4551568, MONDO:0008944, OMIM 213300.
Meckel syndrome, type 4 (MKS4). Also called: MECKEL-GRUBER SYNDROME, TYPE 4. Identifiers: Orphanet 564, MedGen C1970161, MONDO:0012626, OMIM 611134.
Bardet-Biedl syndrome 14 (BBS14). Identifiers: Orphanet 110, MedGen C2673874, MONDO:0014442, OMIM 615991.
Leber congenital amaurosis 10 (LCA10). Identifiers: Orphanet 65, MedGen C1857821, MONDO:0012723, OMIM 611755.
Senior-Loken syndrome 6 (SLSN6). Identifiers: Orphanet 3156, MedGen C1857779, MONDO:0012433, OMIM 610189.
Joubert syndrome 5 (JBTS5). Identifiers: Orphanet 2318, MedGen C1857780, MONDO:0012432, OMIM 610188.

Allele frequency attached by ClinVar (database versions not stated): ExAC 0.09364; 1000 Genomes Project 0.09704; ESP Exome Variant Server 0.03267; gnomAD 0.05247 and 0.05655; gnomAD exomes 0.05862 and 0.07881; TOPMed 0.05948; 1000 Genomes Project 30x 0.09260.

Submissions (19):

Women's Health and Genetics/Laboratory Corporation of America, LabCorp
Classification: Likely benign. Last evaluated: 2026-06-26. Review status: criteria provided, single submitter. Criteria: LabCorp Variant Classification Summary - May 2015. Collection method: clinical testing. Allele origin: germline.

Labcorp Genetics (formerly Invitae), Labcorp
Classification: Benign for Joubert syndrome; Meckel-Gruber syndrome; Nephronophthisis. Last evaluated: 2026-02-04. Review status: criteria provided, single submitter. Criteria: Invitae Variant Classification Sherloc (09022015). Collection method: clinical testing. Allele origin: germline.

Blueprint Genetics
Classification: Benign. Last evaluated: 2024-11-27. Review status: criteria provided, single submitter. Criteria: ACMG Guidelines, 2015. Collection method: clinical testing. Allele origin: germline.

Dept Of Ophthalmology, Nagoya University
Classification: Benign for Retinal dystrophy. Last evaluated: 2023-10-01. Review status: criteria provided, single submitter. Criteria: Submitter's publication. Collection method: research. Allele origin: germline. Affected: yes.

Mayo Clinic Laboratories, Mayo Clinic
Classification: Benign. Last evaluated: 2022-03-09. Review status: criteria provided, single submitter. Criteria: ACMG Guidelines, 2015. Collection method: clinical testing. Allele origin: germline. Observed: 30 variant alleles.

Mendelics
Classification: Benign for Joubert syndrome 1. Last evaluated: 2019-05-28. Review status: criteria provided, single submitter. Criteria: Mendelics Assertion Criteria 2017. Collection method: clinical testing. Allele origin: unknown.

Illumina Laboratory Services, Illumina
Classification: Benign for Bardet-Biedl syndrome 14. Last evaluated: 2018-01-13. Review status: criteria provided, single submitter. Criteria: ICSL Variant Classification Criteria 13 December 2019. Collection method: clinical testing. Allele origin: germline.
Comment: This variant was observed in the ICSL laboratory as part of a predisposition screen in an ostensibly healthy population. It had not been previously curated by ICSL or reported in the Human Gene Mutation Database (HGMD: prior to June 1st, 2018), and was therefore a candidate for classification through an automated scoring system. Utilizing variant allele frequency, disease prevalence and penetrance estimates, and inheritance mode, an automated score was calculated to assess if this variant is too frequent to cause the disease. Based on the score and internal cut-off values, a variant classified as benign is not then subjected to further curation. The score for this variant resulted in a classification of benign for this disease.

Illumina Laboratory Services, Illumina
Classification: Benign for Leber congenital amaurosis 10. Last evaluated: 2018-01-13. Review status: criteria provided, single submitter. Criteria: ICSL Variant Classification Criteria 13 December 2019. Collection method: clinical testing. Allele origin: germline.
Comment: the same text as in the submission from Illumina Laboratory Services, Illumina above.

Illumina Laboratory Services, Illumina
Classification: Benign for Meckel syndrome, type 4. Last evaluated: 2018-01-13. Review status: criteria provided, single submitter. Criteria: ICSL Variant Classification Criteria 13 December 2019. Collection method: clinical testing. Allele origin: germline.
Comment: the same text as in the submission from Illumina Laboratory Services, Illumina above.

Illumina Laboratory Services, Illumina
Classification: Benign for Joubert syndrome 5. Last evaluated: 2018-01-13. Review status: criteria provided, single submitter. Criteria: ICSL Variant Classification Criteria 13 December 2019. Collection method: clinical testing. Allele origin: germline.
Comment: the same text as in the submission from Illumina Laboratory Services, Illumina above.

Illumina Laboratory Services, Illumina
Classification: Benign for Senior-Loken syndrome 6. Last evaluated: 2018-01-13. Review status: criteria provided, single submitter. Criteria: ICSL Variant Classification Criteria 13 December 2019. Collection method: clinical testing. Allele origin: germline.
Comment: the same text as in the submission from Illumina Laboratory Services, Illumina above.

GeneDx
Classification: Benign. Last evaluated: 2014-03-21. Review status: criteria provided, single submitter. Criteria: GeneDx Variant Classification (06012015). Collection method: clinical testing. Allele origin: germline. Affected: yes.
Comment: This variant is considered likely benign or benign based on one or more of the following criteria: it is a conservative change, it occurs at a poorly conserved position in the protein, it is predicted to be benign by multiple in silico algorithms, and/or has population frequency not consistent with disease.

Breakthrough Genomics
Classification: Benign. Review status: criteria provided, single submitter. Criteria: ACMG Guidelines, 2015. Collection method: not provided. Allele origin: germline. Inheritance: Autosomal recessive inheritance. Affected: yes.

PreventionGenetics, part of Exact Sciences
Classification: Benign. Review status: criteria provided, single submitter. Criteria: ACMG Guidelines, 2015. Collection method: clinical testing. Allele origin: germline.

Natera, Inc.
Classification: Benign for Leber congenital amaurosis. Last evaluated: 2020-09-16. Review status: no assertion criteria provided. Collection method: clinical testing. Allele origin: germline. Not counted in ClinVar's aggregate classification.

Clinical Genetics DNA and cytogenetics Diagnostics Lab, Erasmus MC, Erasmus Medical Center
Classification: Benign. Review status: no assertion criteria provided. Collection method: clinical testing. Allele origin: germline. Affected: yes. Study: VKGL Data-share Consensus. Not counted in ClinVar's aggregate classification.

Genetic Services Laboratory, University of Chicago
Classification: Likely benign for AllHighlyPenetrant. Review status: no assertion criteria provided. Collection method: clinical testing. Allele origin: germline. Inheritance: Autosomal recessive inheritance. Observed: 86 variant alleles. Not counted in ClinVar's aggregate classification.
Comment: Likely benign based on allele frequency in 1000 Genomes Project or ESP global frequency and its presence in a patient with a rare or unrelated disease phenotype. NOT Sanger confirmed.

Joint Genome Diagnostic Labs from Nijmegen and Maastricht, Radboudumc and MUMC+
Classification: Benign. Review status: no assertion criteria provided. Collection method: clinical testing. Allele origin: germline. Affected: yes. Study: VKGL Data-share Consensus. Not counted in ClinVar's aggregate classification.

NEI Ophthalmic Genomics Laboratory, National Institutes of Health
No classification provided. Review status: no classification provided. Collection method: not provided. Allele origin: not provided. Not counted in ClinVar's aggregate classification.